The following is an entry in ClinVar:

ClinVar aggregate classification (germline): Benign/Likely benign. Review status: criteria provided, multiple submitters, no conflicts (2 of 4 stars). 2 submissions from 2 submitters: Benign (1); Likely benign (1). Last evaluated 2026-06-16.

Conditions:
Gastrointestinal stromal tumor. Also called: Gastrointestinal stroma tumor; Gastrointestinal stromal tumor, somatic. Identifiers: Orphanet 44890, MedGen C0238198, MeSH D046152, MONDO:0011719, OMIM 606764, HP:0100723.
Polyps, multiple and recurrent inflammatory fibroid, gastrointestinal. Identifiers: MedGen C5193005, MONDO:0008285, OMIM 175510.

Submissions (2):

Myriad Genetics, Inc.
Classification: Benign for Polyps, multiple and recurrent inflammatory fibroid, gastrointestinal. Last evaluated: 2026-06-16. Review status: criteria provided, single submitter. Criteria: Myriad Autosomal Dominant, Autosomal Recessive and X-Linked Classification Criteria (2023). Collection method: clinical testing. Allele origin: unknown.
Comment: This variant is considered benign. This variant is a silent/synonymous amino acid change and it is not expected to impact splicing.

Labcorp Genetics (formerly Invitae), Labcorp
Classification: Likely benign for Gastrointestinal stromal tumor. Last evaluated: 2020-12-03. Review status: criteria provided, single submitter. Criteria: Invitae Variant Classification Sherloc (09022015). Collection method: clinical testing. Allele origin: germline.

NM_006206.6(PDGFRA):c.300C>T (p.Cys100=)

Gene: PDGFRA (platelet derived growth factor receptor alpha; plus strand). Cytogenetic location: 4q12.
Variant type: single nucleotide variant.
Coding change: c.300C>T on transcript NM_006206.6 (MANE Select); coding-DNA position 300, C replaced by T.
Protein change: p.Cys100=; no amino-acid change (cysteine 100 retained).
Molecular consequence: synonymous variant.
Genome position (GRCh38, 1-based): chr4:54,261,345, C>T. VCF-style: chr4-54261345-C-T. GRCh37 (hg19) VCF-style: chr4-55127512-C-T.
Other names: c.300C>T, p.Cys100= (NM_001347827.2, NM_001347829.2); c.375C>T, p.Cys125= (NM_001347828.2); c.339C>T, p.Cys113= (NM_001347830.2).
Identifiers: ClinVar variation 1657408 (VCV001657408.9), dbSNP rs1367611443, ClinGen allele CA439408712.